The following is an entry in ClinVar:

NM_012330.4(KAT6B):c.5789C>T (p.Ala1930Val)

Gene: KAT6B (lysine acetyltransferase 6B; plus strand). Cytogenetic location: 10q22.2.
Variant type: single nucleotide variant.
Coding change: c.5789C>T on transcript NM_012330.4 (MANE Select); coding-DNA position 5789, C replaced by T.
Protein change: p.Ala1930Val; replaces alanine 1930 with valine.
Molecular consequence: missense variant.
Genome position (GRCh38, 1-based): chr10:75,030,613, C>T. VCF-style: chr10-75030613-C-T. GRCh37 (hg19) VCF-style: chr10-76790371-C-T.
Other names: c.5240C>T, p.Ala1747Val (NM_001256468.2, NM_001370138.1); c.4913C>T, p.Ala1638Val (NM_001256469.2, NM_001370139.1, NM_001370140.1 and 2 more transcripts); c.4751C>T, p.Ala1584Val (NM_001370132.1); c.4100C>T, p.Ala1367Val (NM_001370133.1); c.3704C>T, p.Ala1235Val (NM_001370134.1); c.3446C>T, p.Ala1149Val (NM_001370135.1); c.5789C>T, p.Ala1930Val (NM_001370136.1, NM_001370137.1); c.4724C>T, p.Ala1575Val (NM_001370143.1, NM_001370144.1); short protein forms A1235V, A1575V, A1584V, A1149V, A1367V, A1638V, A1930V, A1747V.
Identifiers: ClinVar variation 3660484 (VCV003660484.1).

ClinVar aggregate classification (germline): Uncertain significance (1 of 4 stars; one submission).

Conditions:
Genitopatellar syndrome (GTPTS). Also called: ABSENT PATELLAE, SCROTAL HYPOPLASIA, RENAL ANOMALIES, FACIAL DYSMORPHISM, AND MENTAL RETARDATION; Genitopatellar syndrome (GPS). Identifiers: Orphanet 85201, MedGen C1853566, MONDO:0011640, OMIM 606170.

gnomAD v4.1: 15 of 1,612,934 alleles (0.00093%); highest among the groups gnomAD compares: Middle Eastern, 0.017%; no homozygotes.

Submission:

Labcorp Genetics (formerly Invitae), Labcorp
Classification: Uncertain significance for Genitopatellar syndrome. Last evaluated: 2024-06-20. Review status: criteria provided, single submitter. Criteria: Invitae Variant Classification Sherloc (09022015). Collection method: clinical testing. Allele origin: germline.
Comment: This sequence change replaces alanine, which is neutral and non-polar, with valine, which is neutral and non-polar, at codon 1930 of the KAT6B protein (p.Ala1930Val). This variant is present in population databases (rs767826139, gnomAD 0.004%). This variant has not been reported in the literature in individuals affected with KAT6B-related conditions. An algorithm developed to predict the effect of missense changes on protein structure and function (PolyPhen-2) suggests that this variant¬†is likely to be tolerated. In summary, the available evidence is currently insufficient to determine the role of this variant in disease. Therefore, it has been classified as a Variant of Uncertain Significance.